The following is an entry in ClinVar:

NM_025114.4(CEP290):c.4855dup (p.His1619fs)

Gene: CEP290 (centrosomal protein 290; minus strand). Cytogenetic location: 12q21.32.
Variant type: Duplication.
Coding change: c.4855dup on transcript NM_025114.4 (MANE Select); coding-DNA position 4855, one base duplicated (C; older notation c.4855dupC).
Protein change: p.His1619fs; shifts the reading frame from histidine 1619.
Molecular consequence: frameshift variant.
Genome position (GRCh38, 1-based): chr12:88,083,188, G duplicated on the plus strand (C on the coding strand, the reverse complement: CEP290 is on the minus strand). VCF-style (leftmost placement, unchanged base first): chr12-88083187-T-TG. GRCh37 (hg19) VCF-style: chr12-88476964-T-TG.
Other names: c.4855dup (NM_025114.3); short protein forms H1619fs.
Identifiers: ClinVar variation 2184061 (VCV002184061.8), dbSNP rs2499960522, ClinGen allele CA2580086839.

ClinVar aggregate classification (germline): Pathogenic/Likely pathogenic. Review status: criteria provided, multiple submitters, no conflicts (2 of 4 stars). 4 submissions from 4 submitters: Pathogenic (1); Likely pathogenic (3). Last evaluated 2024-12-26.

Conditions:
Joubert syndrome 5 (JBTS5). Identifiers: Orphanet 2318, MedGen C1857780, MONDO:0012432, OMIM 610188.
Meckel syndrome, type 4 (MKS4). Also called: MECKEL-GRUBER SYNDROME, TYPE 4. Identifiers: Orphanet 564, MedGen C1970161, MONDO:0012626, OMIM 611134.
Senior-Loken syndrome 6 (SLSN6). Identifiers: Orphanet 3156, MedGen C1857779, MONDO:0012433, OMIM 610189.
Bardet-Biedl syndrome 14 (BBS14). Identifiers: Orphanet 110, MedGen C2673874, MONDO:0014442, OMIM 615991.
Leber congenital amaurosis 10 (LCA10). Identifiers: Orphanet 65, MedGen C1857821, MONDO:0012723, OMIM 611755.
Joubert syndrome. Also called: CEREBELLOPARENCHYMAL DISORDER IV; JOUBERT-BOLTSHAUSER SYNDROME; Familial aplasia of the vermis. Identifiers: Orphanet 475, MedGen C5979921, MONDO:0018772.
Nephronophthisis. Also called: Juvenile Nephronophthisis. Identifiers: Orphanet 655, MedGen C0687120, MONDO:0019005, HP:0000090.
Meckel-Gruber syndrome. Also called: DYSENCEPHALIA SPLANCHNOCYSTICA; GRUBER SYNDROME; Dysencephalia splachnocystica. Identifiers: Orphanet 564, MedGen C0265215, MONDO:0018921.
Leber congenital amaurosis (LCA). Also called: Leber's amaurosis. Identifiers: Orphanet 65, MedGen C0339527, MeSH D057130, MONDO:0018998.

Submissions (4):

Natera, Inc.
Classification: Likely pathogenic for Leber congenital amaurosis. Last evaluated: 2024-12-26. Review status: criteria provided, single submitter. Criteria: Natera Variant Classification Schema (03/2026). Collection method: clinical testing. Allele origin: germline.
Comment: The c.4855dup variant in CEP290 is a frameshift variant predicted to shift the reading frame beginning at codon 1619 and leads to a stop codon 7 codons downstream. This variant is expected to result in nonsense mediated decay, truncation, or a dysfunctional protein product. This variant is rare in the general population with a frequency below the threshold expected for the associated phenotype(s). Given the available evidence, this variant is classified as Likely Pathogenic.

Baylor Genetics
Classification: Likely pathogenic for Bardet-Biedl syndrome 14. Last evaluated: 2024-03-24. Review status: criteria provided, single submitter. Criteria: ACMG Guidelines, 2015. Collection method: clinical testing. Allele origin: unknown.

Fulgent Genetics
Classification: Likely pathogenic for Joubert syndrome 5; Senior-Loken syndrome 6; Meckel syndrome, type 4; Leber congenital amaurosis 10; Bardet-Biedl syndrome 14. Last evaluated: 2024-03-16. Review status: criteria provided, single submitter. Criteria: ACMG Guidelines, 2015. Collection method: clinical testing. Allele origin: germline.

Labcorp Genetics (formerly Invitae), Labcorp
Classification: Pathogenic for Joubert syndrome; Meckel-Gruber syndrome; Nephronophthisis. Last evaluated: 2022-06-15. Review status: criteria provided, single submitter. Criteria: Invitae Variant Classification Sherloc (09022015). Collection method: clinical testing. Allele origin: germline.
Comment: For these reasons, this variant has been classified as Pathogenic. This variant has not been reported in the literature in individuals affected with CEP290-related conditions. This variant is not present in population databases (gnomAD no frequency). This sequence change creates a premature translational stop signal (p.His1619Profs*7) in the CEP290 gene. It is expected to result in an absent or disrupted protein product. Loss-of-function variants in CEP290 are known to be pathogenic (PMID: 16909394, 17345604, 20690115).

Literature cited by the submitters: PubMed 16909394 (cited by Labcorp Genetics (formerly Invitae), Labcorp); PubMed 17345604 (cited by Labcorp Genetics (formerly Invitae), Labcorp); PubMed 20690115 (cited by Labcorp Genetics (formerly Invitae), Labcorp).